The following is an entry in ClinVar:

ClinVar aggregate classification (germline): Uncertain significance (1 of 4 stars; one submission).

Conditions:
Developmental and epileptic encephalopathy, 21 (DEE21). Also called: Early infantile epileptic encephalopathy 21. Identifiers: Orphanet 442835, MedGen C4014430, MONDO:0014360, OMIM 615833.

Submission:

Labcorp Genetics (formerly Invitae), Labcorp
Classification: Uncertain significance for Developmental and epileptic encephalopathy, 21. Last evaluated: 2022-04-26. Review status: criteria provided, single submitter. Criteria: Invitae Variant Classification Sherloc (09022015). Collection method: clinical testing. Allele origin: germline.
Comment: This sequence change replaces arginine, which is basic and polar, with glutamine, which is neutral and polar, at codon 113 of the NECAP1 protein (p.Arg113Gln). This variant is not present in population databases (gnomAD no frequency). This variant has not been reported in the literature in individuals affected with NECAP1-related conditions. Algorithms developed to predict the effect of missense changes on protein structure and function (SIFT, PolyPhen-2, Align-GVGD) all suggest that this variant is likely to be disruptive. In summary, the available evidence is currently insufficient to determine the role of this variant in disease. Therefore, it has been classified as a Variant of Uncertain Significance.

NM_015509.4(NECAP1):c.338G>A (p.Arg113Gln)

Gene: NECAP1 (NECAP endocytosis associated 1; plus strand). Cytogenetic location: 12p13.31.
Variant type: single nucleotide variant.
Coding change: c.338G>A on transcript NM_015509.4 (MANE Select); coding-DNA position 338, G replaced by A.
Protein change: p.Arg113Gln; replaces arginine 113 with glutamine.
Molecular consequence: missense variant.
Genome position (GRCh38, 1-based): chr12:8,091,805, G>A. VCF-style: chr12-8091805-G-A. GRCh37 (hg19) VCF-style: chr12-8244401-G-A.
Other names: short protein forms R113Q.
Identifiers: ClinVar variation 2159910 (VCV002159910.4), dbSNP rs1341898035, ClinGen allele CA383798363.
Genomic context (GRCh38, chr12:8,091,805, plus strand): 5'-CGAGTCTTCCTACGTTTTCCACAGGGCGCAGTGCTTTCATTGGCATTGGCTTCACAGATC[G>A]GGGAGATGCCTTCGACTTTAATGTCTCCTTGCAGGATCACTTCAAGTGAGTGAAGCTTGT-3'
Protein context (NP_056324.2, residues 103-123): SAFIGIGFTD[Arg113Gln]GDAFDFNVSL